The following is an entry in ClinVar:

NC_012920.1(MT-ND3):m.10225T>C

Gene: MT-ND3 (mitochondrially encoded NADH dehydrogenase 3; plus strand).
Variant type: single nucleotide variant.
Genome position: chrM-10225-T-C.
Identifiers: ClinVar variation 693273 (VCV000693273.1), dbSNP rs1603222726, ClinGen allele CA414804555.

ClinVar aggregate classification (germline): Uncertain significance (1 of 4 stars; one submission).

Conditions:
Leigh syndrome (NULS). Also called: Leigh's necrotizing encephalopathy; Leigh's disease; Leigh Syndrome (mtDNA deletion); Leigh Disease; Subacute necrotizing encephalopathy; Necrotizing encephalopathy infantile subacute of Leigh. Identifiers: Orphanet 506, MedGen C2931891, MONDO:0009723, OMIM 256000.

Submission:

Wong Mito Lab, Molecular and Human Genetics, Baylor College of Medicine
Classification: Uncertain significance for Leigh syndrome. Last evaluated: 2019-10-17. Review status: criteria provided, single submitter. Criteria: Modified ACMG Guidelines (Unpublished). Collection method: clinical testing. Allele origin: germline.
Comment: The NC_012920.1:m.10225T>C (YP_003024033.1:p.Phe56Ser) variant in MTND3 gene is interpretated to be a Uncertain Significance variant based on the modified ACMG guidelines (unpublished). This variant meets the following evidence codes: PP7